The following is an entry in ClinVar:

NM_004086.3(COCH):c.83-17A>G

Genes: COCH-AS1 (COCH antisense RNA 1; minus strand), COCH (cochlin; plus strand). Cytogenetic location: 14q12.
Variant type: single nucleotide variant.
Coding change: c.83-17A>G on transcript NM_004086.3 (MANE Select); 17 bases into the intron before coding-DNA position 83, A replaced by G.
Molecular consequence: intron variant.
Genome position (GRCh38, 1-based): chr14:30,877,555, A>G. VCF-style: chr14-30877555-A-G. GRCh37 (hg19) VCF-style: chr14-31346761-A-G.
Other names: c.278-17A>G (NM_001347720.2); c.83-17A>G (NM_001135058.2).
Identifiers: ClinVar variation 2851928 (VCV002851928.4), dbSNP rs762738272, ClinGen allele CA613323179.

ClinVar aggregate classification (germline): Likely benign. Review status: criteria provided, multiple submitters, no conflicts (2 of 4 stars). 2 submissions from 2 submitters: Likely benign (2). Last evaluated 2024-01-18.

Allele frequency attached by ClinVar (database versions not stated): gnomAD 0.00001; TOPMed 0.00001.
gnomAD v4.1: 2 of 1,613,666 alleles (0.00012%); highest among the groups gnomAD compares: Admixed American, 0.0033%; no homozygotes.

Submissions (2):

Women's Health and Genetics/Laboratory Corporation of America, LabCorp
Classification: Likely benign. Last evaluated: 2024-01-18. Review status: criteria provided, single submitter. Criteria: LabCorp Variant Classification Summary - May 2015. Collection method: clinical testing. Allele origin: germline.
Comment: Variant summary: COCH c.83-17A>G alters a non-conserved nucleotide located at a position not widely known to affect splicing. Consensus agreement among computation tools predict no significant impact on normal splicing. However, these predictions have yet to be confirmed by functional studies. The variant allele was found at a frequency of 4e-06 in 251194 control chromosomes. The available data on variant occurrences in the general population are insufficient to allow any conclusion about variant significance. To our knowledge, no occurrence of c.83-17A>G in individuals affected with Hereditary hearing loss and deafness and no experimental evidence demonstrating its impact on protein function have been reported. No submitters have cited clinical-significance assessments for this variant to ClinVar. Based on the evidence outlined above, the variant was classified as likely benign.

Labcorp Genetics (formerly Invitae), Labcorp
Classification: Likely benign. Last evaluated: 2023-03-08. Review status: criteria provided, single submitter. Criteria: Invitae Variant Classification Sherloc (09022015). Collection method: clinical testing. Allele origin: germline.